The following is an entry in ClinVar:

NM_005105.5(RBM8A):c.276A>G (p.Lys92=)

Genes: RBM8A (RNA binding motif protein 8A; minus strand), LOC126805851 (MED14-independent group 3 enhancer GRCh37_chr1:145507474-145508673; plus strand). Cytogenetic location: 1q21.1.
Variant type: single nucleotide variant.
Coding change: c.276A>G on transcript NM_005105.5 (MANE Select); coding-DNA position 276, A replaced by G.
Protein change: p.Lys92=; no amino-acid change (lysine 92 retained).
Molecular consequence: synonymous variant.
Genome position (GRCh38, 1-based): chr1:145,926,548, T>C on the plus strand (A>G on the coding strand, the complement: RBM8A is on the minus strand). VCF-style: chr1-145926548-T-C. GRCh37 (hg19) VCF-style: chr1-145508545-A-G.
Identifiers: ClinVar variation 2639110 (VCV002639110.24), dbSNP rs2525460388, ClinGen allele CA420250327.

ClinVar aggregate classification (germline): Likely benign (1 of 4 stars; one submission).

Submission:

CeGaT Center for Human Genetics Tuebingen
Classification: Likely benign. Last evaluated: 2022-03-01. Review status: criteria provided, single submitter. Criteria: CeGaT Center For Human Genetics Tuebingen Variant Classification Criteria Version 2. Collection method: clinical testing. Allele origin: germline. Affected: yes. Observed: 1 variant allele.
Comment: RBM8A: PM2:Supporting, BP4, BP7